The following is an entry in ClinVar:

NM_170707.4(LMNA):c.1069G>A (p.Asp357Asn)

Gene: LMNA (lamin A/C; plus strand). Cytogenetic location: 1q22.
Variant type: single nucleotide variant.
Coding change: c.1069G>A on transcript NM_170707.4 (MANE Select); coding-DNA position 1069, G replaced by A.
Protein change: p.Asp357Asn; replaces aspartic acid 357 with asparagine.
Molecular consequence: missense variant.
Genome position (GRCh38, 1-based): chr1:156,136,033, G>A. VCF-style: chr1-156136033-G-A. GRCh37 (hg19) VCF-style: chr1-156105824-G-A.
Other names: c.733G>A, p.Asp245Asn (NM_001257374.3); c.826G>A, p.Asp276Asn (NM_001282624.2); c.1069G>A, p.Asp357Asn (NM_001282625.2, NM_001282626.2, NM_005572.4 and 1 more transcripts); short protein forms D245N, D357N, D276N.
Identifiers: ClinVar variation 1403065 (VCV001403065.11), dbSNP rs267607567, ClinGen allele CA342820311.

ClinVar aggregate classification (germline): Conflicting classifications of pathogenicity. Review status: criteria provided, conflicting classifications (1 of 4 stars). 3 submissions from 3 submitters: Likely pathogenic (1); Uncertain significance (2). Last evaluated 2024-08-28.

Conditions:
Cardiovascular phenotype. Identifiers: MedGen CN230736.
Charcot-Marie-Tooth disease type 2. Also called: Charcot-Marie-Tooth type 2. Identifiers: Orphanet 64746, MedGen C0270914, MONDO:0018993.

Allele frequency attached by ClinVar (database versions not stated): TOPMed below 0.00001; gnomAD exomes below 0.00001.

Submissions (3):

Labcorp Genetics (formerly Invitae), Labcorp
Classification: Likely pathogenic for Charcot-Marie-Tooth disease type 2. Last evaluated: 2024-08-28. Review status: criteria provided, single submitter. Criteria: Invitae Variant Classification Sherloc (09022015). Collection method: clinical testing. Allele origin: germline.
Comment: This sequence change replaces aspartic acid, which is acidic and polar, with asparagine, which is neutral and polar, at codon 357 of the LMNA protein (p.Asp357Asn). This variant is not present in population databases (gnomAD no frequency). This missense change has been observed in individual(s) with autosomal dominant LMNA-related conditions (PMID: 26573435). ClinVar contains an entry for this variant (Variation ID: 1403065). Invitae Evidence Modeling of protein sequence and biophysical properties (such as structural, functional, and spatial information, amino acid conservation, physicochemical variation, residue mobility, and thermodynamic stability) indicates that this missense variant is expected to disrupt LMNA protein function with a positive predictive value of 95%. This variant disrupts the p.Asp357 amino acid residue in LMNA. Other variant(s) that disrupt this residue have been observed in individuals with LMNA-related conditions (PMID: 18480576, 22224630), which suggests that this may be a clinically significant amino acid residue. In summary, the currently available evidence indicates that the variant is pathogenic, but additional data are needed to prove that conclusively. Therefore, this variant has been classified as Likely Pathogenic.

GeneDx
Classification: Uncertain significance. Last evaluated: 2023-10-16. Review status: criteria provided, single submitter. Criteria: GeneDx Variant Classification Process June 2021. Collection method: clinical testing. Allele origin: germline. Affected: yes.
Comment: Observed in individuals with limb girdle muscular dystrophy (Diaz-Manera et al., 2016); Not observed at significant frequency in large population cohorts (gnomAD); In silico analysis supports that this missense variant does not alter protein structure/function; This variant is associated with the following publications: (PMID: 10939567, 26573435)

Ambry Genetics
Classification: Uncertain significance for Cardiovascular phenotype. Last evaluated: 2022-08-29. Review status: criteria provided, single submitter. Criteria: Ambry Variant Classification Scheme 2023. Collection method: clinical testing. Allele origin: germline.
Comment: The p.D357N variant (also known as c.1069G>A), located in coding exon 6 of the LMNA gene, results from a G to A substitution at nucleotide position 1069. The aspartic acid at codon 357 is replaced by asparagine, an amino acid with highly similar properties. This alteration was reported in multiple individuals with limb girdle muscular dystrophy 1B (LGMD-1B) phenotypes; however, clinical information was limited and familial relationships were not specified (D&iacute;az-Manera J et al. Neuromuscul. Disord. 2016;26:33-40). This amino acid position is highly conserved in available vertebrate species. In addition, this alteration is predicted to be tolerated by in silico analysis. Since supporting evidence is limited at this time, the clinical significance of this alteration remains unclear.

Literature cited by the submitters: PubMed 26573435 (cited by Labcorp Genetics (formerly Invitae), Labcorp and Ambry Genetics); PubMed 18480576 (cited by Labcorp Genetics (formerly Invitae), Labcorp); PubMed 22224630 (cited by Labcorp Genetics (formerly Invitae), Labcorp).